The following is an entry in ClinVar:

ClinVar aggregate classification (germline): Conflicting classifications of pathogenicity. Review status: criteria provided, conflicting classifications (1 of 4 stars). 6 submissions from 6 submitters: Uncertain significance (1); Benign (2); Likely benign (2). 1 of the submissions does not count toward it. Last evaluated 2026-02-02.

Conditions:
Malignant tumor of breast. Also called: Malignant breast neoplasm; Cancer breast. Identifiers: MedGen C0006142, MONDO:0007254. Disease mechanism: loss of function.
Fanconi anemia complementation group E (FANCE). Also called: FANCE-Related Fanconi Anemia. Identifiers: Orphanet 84, MedGen C3160739, MONDO:0010953, OMIM 600901.

Allele frequency attached by ClinVar (database versions not stated): TOPMed 0.00023; ESP Exome Variant Server 0.00031; 1000 Genomes Project 30x 0.00062; 1000 Genomes Project 0.00080; gnomAD exomes 0.00093 and 0.00204; ExAC 0.00175; gnomAD 0.00202 and 0.00212.
gnomAD v4.1: 1,645 of 1,614,002 alleles (0.1%); highest among the groups gnomAD compares: Non-Finnish European, 0.047%; 17 homozygotes.

Submissions (6):

Labcorp Genetics (formerly Invitae), Labcorp
Classification: Benign for Fanconi anemia complementation group E. Last evaluated: 2026-02-02. Review status: criteria provided, single submitter. Criteria: Invitae Variant Classification Sherloc (09022015). Collection method: clinical testing. Allele origin: germline.

CeGaT Center for Human Genetics Tuebingen
Classification: Likely benign. Last evaluated: 2021-12-01. Review status: criteria provided, single submitter. Criteria: CeGaT Center For Human Genetics Tuebingen Variant Classification Criteria Version 2. Collection method: clinical testing. Allele origin: germline. Affected: yes. Observed: 1 variant allele.

Institute for Clinical Genetics, University Hospital TU Dresden, University Hospital TU Dresden
Classification: Likely benign. Last evaluated: 2021-11-03. Review status: criteria provided, single submitter. Criteria: ACMG Guidelines, 2015. Collection method: clinical testing. Allele origin: germline.

GeneDx
Classification: Benign. Last evaluated: 2021-05-12. Review status: criteria provided, single submitter. Criteria: GeneDx Variant Classification Process June 2021. Collection method: clinical testing. Allele origin: germline. Affected: yes.
Comment: In silico analysis supports that this missense variant has a deleterious effect on protein structure/function; This variant is associated with the following publications: (PMID: 27989786)

Illumina Laboratory Services, Illumina
Classification: Uncertain significance for Fanconi anemia complementation group E. Last evaluated: 2018-01-13. Review status: criteria provided, single submitter. Criteria: ICSL Variant Classification Criteria 13 December 2019. Collection method: clinical testing. Allele origin: germline.

Center of Medical Genetics and Primary Health Care
Classification: Benign for Breast Cancer. Review status: no assertion criteria provided. Collection method: clinical testing. Allele origin: germline. Affected: yes. Not counted in ClinVar's aggregate classification.

NM_021922.3(FANCE):c.253C>T (p.Pro85Ser)

Gene: FANCE (FA complementation group E; plus strand). Cytogenetic location: 6p21.31.
Variant type: single nucleotide variant.
Coding change: c.253C>T on transcript NM_021922.3 (MANE Select); coding-DNA position 253, C replaced by T.
Protein change: p.Pro85Ser; replaces proline 85 with serine.
Molecular consequence: missense variant.
Genome position (GRCh38, 1-based): chr6:35,455,751, C>T. VCF-style: chr6-35455751-C-T. GRCh37 (hg19) VCF-style: chr6-35423528-C-T.
Other names: short protein forms P85S.
Identifiers: ClinVar variation 356444 (VCV000356444.55), dbSNP rs145068586, ClinGen allele CA3771366.